The following is an entry in ClinVar:

ClinVar aggregate classification (germline): Uncertain significance. Review status: criteria provided, multiple submitters, no conflicts (2 of 4 stars). 2 submissions from 2 submitters: Uncertain significance (2). Last evaluated 2024-10-23.

Conditions:
Multiple acyl-CoA dehydrogenase deficiency (MADD). Also called: Glutaric aciduria, type 2; Glutaric acidemia type II; GA 2; ETHYLMALONIC-ADIPICACIDURIA; GA II; Glutaric Acidemia type 2. Identifiers: Orphanet 26791, MedGen C0268596, MONDO:0009282, OMIM 231680.

Submissions (2):

Labcorp Genetics (formerly Invitae), Labcorp
Classification: Uncertain significance for Multiple acyl-CoA dehydrogenase deficiency. Last evaluated: 2024-10-23. Review status: criteria provided, single submitter. Criteria: Invitae Variant Classification Sherloc (09022015). Collection method: clinical testing. Allele origin: germline.
Comment: This sequence change replaces proline, which is neutral and non-polar, with leucine, which is neutral and non-polar, at codon 162 of the ETFDH protein (p.Pro162Leu). This variant is not present in population databases (gnomAD no frequency). This missense change has been observed in individual(s) with clinical features of ETFDH-related conditions (internal data). In at least one individual the data is consistent with being in trans (on the opposite chromosome) from a pathogenic variant. ClinVar contains an entry for this variant (Variation ID: 862307). An algorithm developed to predict the effect of missense changes on protein structure and function (PolyPhen-2) suggests that this variant is likely to be disruptive. In summary, the available evidence is currently insufficient to determine the role of this variant in disease. Therefore, it has been classified as a Variant of Uncertain Significance.

Women's Health and Genetics/Laboratory Corporation of America, LabCorp
Classification: Uncertain significance. Last evaluated: 2023-12-04. Review status: criteria provided, single submitter. Criteria: LabCorp Variant Classification Summary - May 2015. Collection method: clinical testing. Allele origin: germline.

NM_004453.4(ETFDH):c.485C>T (p.Pro162Leu)

Gene: ETFDH (electron transfer flavoprotein dehydrogenase; plus strand). Cytogenetic location: 4q32.1.
Variant type: single nucleotide variant.
Coding change: c.485C>T on transcript NM_004453.4 (MANE Select); coding-DNA position 485, C replaced by T.
Protein change: p.Pro162Leu; replaces proline 162 with leucine.
Molecular consequence: missense variant.
Genome position (GRCh38, 1-based): chr4:158,684,671, C>T. VCF-style: chr4-158684671-C-T. GRCh37 (hg19) VCF-style: chr4-159605823-C-T.
Other names: c.344C>T, p.Pro115Leu (NM_001281737.2); c.302C>T, p.Pro101Leu (NM_001281738.1); short protein forms P162L, P101L, P115L.
Identifiers: ClinVar variation 862307 (VCV000862307.11), dbSNP rs1773956133, ClinGen allele CA358575205.